The following is an entry in ClinVar:

ClinVar aggregate classification (germline): Conflicting classifications of pathogenicity. Review status: criteria provided, conflicting classifications (1 of 4 stars). 4 submissions from 4 submitters: Uncertain significance (1); Benign (1); Likely benign (2). Last evaluated 2026-01-15.

Allele frequency attached by ClinVar (database versions not stated): gnomAD exomes 0.00022 and 0.00062; ExAC 0.00085; 1000 Genomes Project 30x 0.00172; 1000 Genomes Project 0.00200; gnomAD 0.00243 and 0.00259; ESP Exome Variant Server 0.00284; TOPMed 0.00285.
gnomAD v4.1: 727 of 1,614,188 alleles (0.045%); highest among the groups gnomAD compares: African/African-American, 0.83%; 4 homozygotes.

Submissions (4):

Labcorp Genetics (formerly Invitae), Labcorp
Classification: Benign. Last evaluated: 2026-01-15. Review status: criteria provided, single submitter. Criteria: Invitae Variant Classification Sherloc (09022015). Collection method: clinical testing. Allele origin: germline.

Mayo Clinic Laboratories, Mayo Clinic
Classification: Likely benign. Last evaluated: 2025-01-13. Review status: criteria provided, single submitter. Criteria: ACMG Guidelines, 2015. Collection method: clinical testing. Allele origin: germline. Observed: 1 variant allele.
Comment: BS1, BP4, BP7

Blueprint Genetics
Classification: Likely benign. Last evaluated: 2024-08-28. Review status: criteria provided, single submitter. Criteria: ACMG Guidelines, 2015. Collection method: clinical testing. Allele origin: germline.

Genetic Services Laboratory, University of Chicago
Classification: Uncertain significance. Last evaluated: 2017-09-20. Review status: criteria provided, single submitter. Criteria: ACMG Guidelines, 2015. Collection method: clinical testing. Allele origin: germline. Affected: no.

NM_013328.4(PYCR2):c.399A>G (p.Thr133=)

Gene: PYCR2 (pyrroline-5-carboxylate reductase 2; minus strand). Cytogenetic location: 1q42.12.
Variant type: single nucleotide variant.
Coding change: c.399A>G on transcript NM_013328.4 (MANE Select); coding-DNA position 399, A replaced by G.
Protein change: p.Thr133=; no amino-acid change (threonine 133 retained).
Molecular consequence: synonymous variant. On other transcripts: intron variant (1).
Genome position (GRCh38, 1-based): chr1:225,921,999, T>C on the plus strand (A>G on the coding strand, the complement: PYCR2 is on the minus strand). VCF-style: chr1-225921999-T-C. GRCh37 (hg19) VCF-style: chr1-226109699-T-C.
Other names: p.Thr133=; c.318+205A>G (NM_001271681.2).
Identifiers: ClinVar variation 767754 (VCV000767754.16), dbSNP rs112885589, ClinGen allele CA1420236.